The following is an entry in ClinVar:

ClinVar aggregate classification (germline): Uncertain significance (1 of 4 stars; one submission).

Submission:

GeneDx
Classification: Uncertain significance. Last evaluated: 2025-01-11. Review status: criteria provided, single submitter. Criteria: GeneDx Variant Classification Process June 2021. Collection method: clinical testing. Allele origin: germline. Affected: yes.
Comment: Not observed at significant frequency in large population cohorts (gnomAD); In silico analysis supports that this missense variant has a deleterious effect on protein structure/function; Has not been previously published as pathogenic or benign to our knowledge

NM_012398.3(PIP5K1C):c.392T>G (p.Phe131Cys)

Gene: PIP5K1C (phosphatidylinositol-4-phosphate 5-kinase type 1 gamma; minus strand). Cytogenetic location: 19p13.3.
Variant type: single nucleotide variant.
Coding change: c.392T>G on transcript NM_012398.3 (MANE Select); coding-DNA position 392, T replaced by G.
Protein change: p.Phe131Cys; replaces phenylalanine 131 with cysteine.
Molecular consequence: missense variant.
Genome position (GRCh38, 1-based): chr19:3,661,042, A>C on the plus strand (T>G on the coding strand, the complement: PIP5K1C is on the minus strand). VCF-style: chr19-3661042-A-C. GRCh37 (hg19) VCF-style: chr19-3661040-A-C.
Other names: c.392T>G, p.Phe131Cys (NM_001195733.2, NM_001300849.2); short protein forms F131C.
Identifiers: ClinVar variation 4057075 (VCV004057075.1).